The following is an entry in ClinVar:

NM_000124.4(ERCC6):c.811T>C (p.Phe271Leu)

Gene: ERCC6 (ERCC excision repair 6, chromatin remodeling factor; minus strand). Cytogenetic location: 10q11.23.
Variant type: single nucleotide variant.
Coding change: c.811T>C on transcript NM_000124.4 (MANE Select); coding-DNA position 811, T replaced by C.
Protein change: p.Phe271Leu; replaces phenylalanine 271 with leucine.
Molecular consequence: missense variant.
Genome position (GRCh38, 1-based): chr10:49,524,619, A>G on the plus strand (T>C on the coding strand, the complement: ERCC6 is on the minus strand). VCF-style: chr10-49524619-A-G. GRCh37 (hg19) VCF-style: chr10-50732665-A-G.
Other names: c.811T>C, p.Phe271Leu (NM_001277058.2, NM_001277059.2, NM_001346440.2); short protein forms F271L.
Identifiers: ClinVar variation 2120541 (VCV002120541.4), dbSNP rs2496141398, ClinGen allele CA376754675.

ClinVar aggregate classification (germline): Uncertain significance (1 of 4 stars; one submission).

Submission:

Labcorp Genetics (formerly Invitae), Labcorp
Classification: Uncertain significance. Last evaluated: 2022-04-01. Review status: criteria provided, single submitter. Criteria: Invitae Variant Classification Sherloc (09022015). Collection method: clinical testing. Allele origin: germline.
Comment: In summary, the available evidence is currently insufficient to determine the role of this variant in disease. Therefore, it has been classified as a Variant of Uncertain Significance. Algorithms developed to predict the effect of missense changes on protein structure and function are either unavailable or do not agree on the potential impact of this missense change (SIFT: "Deleterious"; PolyPhen-2: "Probably Damaging"; Align-GVGD: "Class C15"). This variant has not been reported in the literature in individuals affected with ERCC6-related conditions. This variant is not present in population databases (gnomAD no frequency). This sequence change replaces phenylalanine, which is neutral and non-polar, with leucine, which is neutral and non-polar, at codon 271 of the ERCC6 protein (p.Phe271Leu).